The following is an entry in ClinVar:

NM_170699.3(GPBAR1):c.720C>T (p.Tyr240=)

Gene: GPBAR1 (G protein-coupled bile acid receptor 1; plus strand). Cytogenetic location: 2q35.
Variant type: single nucleotide variant.
Coding change: c.720C>T on transcript NM_170699.3 (MANE Select); coding-DNA position 720, C replaced by T.
Protein change: p.Tyr240=; no amino-acid change (tyrosine 240 retained).
Molecular consequence: synonymous variant.
Genome position (GRCh38, 1-based): chr2:218,263,444, C>T. VCF-style: chr2-218263444-C-T. GRCh37 (hg19) VCF-style: chr2-219128167-C-T.
Other names: c.720C>T, p.Tyr240= (NM_001077191.2, NM_001077194.2, NM_001321950.2).
Identifiers: ClinVar variation 3053295 (VCV003053295.2), dbSNP rs200340218, ClinGen allele CA2102667.

ClinVar aggregate classification (germline): Likely benign (0 of 4 stars; one submission).

Conditions:
GPBAR1-related disorder. Also called: GPBAR1-related condition.

Allele frequency attached by ClinVar (database versions not stated): gnomAD 0.00003; TOPMed 0.00003; ExAC 0.00009; 1000 Genomes Project 30x 0.00016; 1000 Genomes Project 0.00020.
gnomAD v4.1: 69 of 1,602,816 alleles (0.0043%); highest among the groups gnomAD compares: East Asian, 0.0068%; no homozygotes.

Submission:

PreventionGenetics, part of Exact Sciences
Classification: Likely benign for GPBAR1-related condition. Last evaluated: 2019-08-22. Review status: no assertion criteria provided. Collection method: clinical testing. Allele origin: germline.
Comment: This variant is classified as likely benign based on ACMG/AMP sequence variant interpretation guidelines (Richards et al. 2015 PMID: 25741868, with internal and published modifications).